The following is an entry in ClinVar:

ClinVar aggregate classification (germline): Likely pathogenic (1 of 4 stars; one submission).

Conditions:
Autosomal recessive limb-girdle muscular dystrophy type 2J (LGMDR10). Also called: Limb-girdle muscular dystrophy, type 2J; MUSCULAR DYSTROPHY, LIMB-GIRDLE, AUTOSOMAL RECESSIVE 10. Identifiers: Orphanet 140922, MedGen C1837342, MONDO:0012127, OMIM 608807.
Dilated cardiomyopathy 1G (CMD1G). Identifiers: Orphanet 154, MedGen C1858763, MONDO:0011400, OMIM 604145.

Submission:

Labcorp Genetics (formerly Invitae), Labcorp
Classification: Likely pathogenic for Dilated cardiomyopathy 1G; Autosomal recessive limb-girdle muscular dystrophy type 2J. Last evaluated: 2025-05-14. Review status: criteria provided, single submitter. Criteria: Invitae Variant Classification Sherloc (09022015). Collection method: clinical testing. Allele origin: germline.
Comment: This sequence change affects a donor splice site in intron 310 of the TTN gene. It is expected to disrupt RNA splicing and likely results in a truncated or disrupted TTN protein. This variant is not present in population databases (gnomAD no frequency). This variant has not been reported in the literature in individuals affected with TTN-related conditions. Algorithms developed to predict the effect of sequence changes on RNA splicing suggest that this variant may disrupt the consensus splice site. This variant is located in the A band of TTN (PMID: 25589632). Truncating variants in this region are significantly overrepresented in patients affected with dilated cardiomyopathy (PMID: 25589632). Truncating variants in this region have also been reported in individuals affected with autosomal recessive centronuclear myopathy (PMID: 23975875). In summary, the currently available evidence indicates that the variant is pathogenic, but additional data are needed to prove that conclusively. Therefore, this variant has been classified as Likely Pathogenic.

Literature cited by the submitters: PubMed 25589632; PubMed 23975875.

NM_001267550.2(TTN):c.64972+2T>C

Genes: TTN (titin; minus strand), TTN-AS1 (TTN antisense RNA 1; plus strand). Cytogenetic location: 2q31.2.
Variant type: single nucleotide variant.
Coding change: c.64972+2T>C on transcript NM_001267550.2 (MANE Select); the canonical splice donor site of the intron after coding-DNA position 64972, T replaced by C.
Molecular consequence: splice donor variant. On other transcripts: non-coding transcript variant (1).
Genome position (GRCh38, 1-based): chr2:178,584,667, A>G on the plus strand (T>C on the coding strand, the complement: TTN is on the minus strand). VCF-style: chr2-178584667-A-G. GRCh37 (hg19) VCF-style: chr2-179449394-A-G.
Other names: c.37777+2T>C (NM_003319.4); c.38353+2T>C (NM_133437.4); c.38152+2T>C (NM_133432.3); c.57268+2T>C (NM_133378.4); c.60049+2T>C (NM_001256850.1).
Identifiers: ClinVar variation 4785014 (VCV004785014.1).